The following is an entry in ClinVar:

NM_005215.4(DCC):c.527A>G (p.Asn176Ser)

Gene: DCC (DCC netrin 1 receptor; plus strand). Cytogenetic location: 18q21.2.
Variant type: single nucleotide variant.
Coding change: c.527A>G on transcript NM_005215.4 (MANE Select); coding-DNA position 527, A replaced by G.
Protein change: p.Asn176Ser; replaces asparagine 176 with serine.
Molecular consequence: missense variant.
Genome position (GRCh38, 1-based): chr18:52,906,158, A>G. VCF-style: chr18-52906158-A-G. GRCh37 (hg19) VCF-style: chr18-50432528-A-G.
Other names: short protein forms N176S.
Identifiers: ClinVar variation 187789 (VCV000187789.3), dbSNP rs138724679, ClinGen allele CA347146.

ClinVar aggregate classification (germline): not provided (0 of 4 stars; one submission).

Conditions:
Mirror movements 1 (MRMV1). Identifiers: Orphanet 238722, MedGen C1834870, OMIM 157600, MONDO:0008002.

Allele frequency attached by ClinVar (database versions not stated): ExAC 0.00004; TOPMed 0.00019; ESP Exome Variant Server 0.00008; gnomAD 0.00011; gnomAD exomes 0.00013 and 0.00016.
gnomAD v4.1: 278 of 1,614,118 alleles (0.017%); highest among the groups gnomAD compares: Middle Eastern, 0.17%; 1 homozygote.

Submission:

GeneReviews
No classification provided. Condition: Mirror movements 1. Review status: no classification provided. Collection method: literature only. Allele origin: germline. Affected: yes.
Comment: May be associated with a higher risk of CMM.

Literature cited by the submitters: PubMed 24808016; NCBI Bookshelf NBK279760.